The following is an entry in ClinVar:

ClinVar aggregate classification (germline): Uncertain significance. Review status: criteria provided, multiple submitters, no conflicts (2 of 4 stars). 5 submissions from 5 submitters: Uncertain significance (5). Last evaluated 2025-08-10.

Conditions:
Asphyxiating thoracic dystrophy 2 (SRTD2). Also called: SHORT-RIB THORACIC DYSPLASIA 2 WITH POLYDACTYLY; SHORT-RIB THORACIC DYSPLASIA 2 WITHOUT POLYDACTYLY; SHORT-RIB THORACIC DYSPLASIA 2 WITH OR WITHOUT POLYDACTYLY. Identifiers: Orphanet 474, MedGen C1970005, MONDO:0012644, OMIM 611263.
Jeune thoracic dystrophy. Also called: Jeune syndrome; Infantile thoracic dystrophy; Thoracic pelvic phalangeal dystrophy; Jeune's syndrome; Chondroectodermal dysplasia-like syndrome; Short-rib thoracic dysplasia. Identifiers: Orphanet 474, MedGen C0265275, MONDO:0018770.
Inborn genetic diseases. Identifiers: MedGen C0950123, MeSH D030342.

Allele frequency attached by ClinVar (database versions not stated): ESP Exome Variant Server 0.00008; ExAC 0.00009; TOPMed 0.00009; gnomAD exomes 0.00010 and 0.00016; gnomAD 0.00012 and 0.00014.
gnomAD v4.1: 267 of 1,613,562 alleles (0.017%); highest among the groups gnomAD compares: South Asian, 0.031%; no homozygotes.

Submissions (5):

Ambry Genetics
Classification: Uncertain significance for Inborn genetic diseases. Last evaluated: 2025-08-10. Review status: criteria provided, single submitter. Criteria: Ambry Variant Classification Scheme 2023. Collection method: clinical testing. Allele origin: germline.

Fulgent Genetics
Classification: Uncertain significance for Asphyxiating thoracic dystrophy 2. Last evaluated: 2024-04-12. Review status: criteria provided, single submitter. Criteria: ACMG Guidelines, 2015. Collection method: clinical testing. Allele origin: germline.

Labcorp Genetics (formerly Invitae), Labcorp
Classification: Uncertain significance for Jeune thoracic dystrophy. Last evaluated: 2022-08-12. Review status: criteria provided, single submitter. Criteria: Invitae Variant Classification Sherloc (09022015). Collection method: clinical testing. Allele origin: germline.
Comment: This sequence change replaces glycine, which is neutral and non-polar, with serine, which is neutral and polar, at codon 219 of the IFT80 protein (p.Gly219Ser). This variant is present in population databases (rs201365447, gnomAD 0.04%). This variant has not been reported in the literature in individuals affected with IFT80-related conditions. ClinVar contains an entry for this variant (Variation ID: 902122). Algorithms developed to predict the effect of missense changes on protein structure and function output the following: SIFT: "Tolerated"; PolyPhen-2: "Probably Damaging"; Align-GVGD: "Class C0". The serine amino acid residue is found in multiple mammalian species, which suggests that this missense change does not adversely affect protein function. In summary, the available evidence is currently insufficient to determine the role of this variant in disease. Therefore, it has been classified as a Variant of Uncertain Significance.

ARUP Laboratories, Molecular Genetics and Genomics, ARUP Laboratories
Classification: Uncertain significance for Asphyxiating thoracic dystrophy 2. Last evaluated: 2022-04-28. Review status: criteria provided, single submitter. Criteria: ARUP Molecular Germline Variant Investigation Process 2021. Collection method: clinical testing. Allele origin: germline.
Comment: The IFT80 c.655G>A; p.Gly219Ser variant (rs201365447), to our knowledge, is not reported in the medical literature but is reported in ClinVar (Variation ID: 902122). This variant is found in the general population with an overall allele frequency of 0.01% (29/282,742 alleles) in the Genome Aggregation Database. The glycine at codon 219 is highly conserved, but computational analyses are uncertain whether this variant is neutral or deleterious (REVEL: 0.355). Due to limited information, the clinical significance of the p.Gly219Ser variant is uncertain at this time.

Illumina Laboratory Services, Illumina
Classification: Uncertain significance for Asphyxiating thoracic dystrophy 2. Last evaluated: 2018-01-15. Review status: criteria provided, single submitter. Criteria: ICSL Variant Classification Criteria 13 December 2019. Collection method: clinical testing. Allele origin: germline.

NM_020800.3(IFT80):c.655G>A (p.Gly219Ser)

Genes: IFT80 (intraflagellar transport 80; minus strand), TRIM59-IFT80 (TRIM59-IFT80 readthrough (NMD candidate); minus strand). Cytogenetic location: 3q25.33.
Variant type: single nucleotide variant.
Coding change: c.655G>A on transcript NM_020800.3 (MANE Select); coding-DNA position 655, G replaced by A.
Protein change: p.Gly219Ser; replaces glycine 219 with serine.
Molecular consequence: missense variant. On other transcripts: non-coding transcript variant (3).
Genome position (GRCh38, 1-based): chr3:160,356,135, C>T on the plus strand (G>A on the coding strand, the complement: IFT80 is on the minus strand). VCF-style: chr3-160356135-C-T. GRCh37 (hg19) VCF-style: chr3-160073923-C-T.
Other names: c.244G>A, p.Gly82Ser (NM_001190241.2, NM_001190242.2); short protein forms G219S, G82S.
Identifiers: ClinVar variation 902122 (VCV000902122.14), dbSNP rs201365447, ClinGen allele CA2685404.